The following is an entry in ClinVar:

ClinVar aggregate classification (germline): Uncertain significance. Review status: criteria provided, multiple submitters, no conflicts (2 of 4 stars). 2 submissions from 2 submitters: Uncertain significance (2). Last evaluated 2025-04-24.

Conditions:
Immunodeficiency 36 with lymphoproliferation. Also called: Activated PI3K Delta Syndrome Type 2 (APDS2); ACTIVATED PI3K-DELTA SYNDROME 2; Immunodeficiency 36. Identifiers: Orphanet 397596, Orphanet 693681, MedGen C4014934, MONDO:0014453, OMIM 616005.
SHORT syndrome. Also called: LIPODYSTROPHY, PARTIAL, WITH RIEGER ANOMALY AND SHORT STATURE; PIK3R1-Related SHORT Syndrome; SHORT STATURE, HYPEREXTENSIBILITY, HERNIA, OCULAR DEPRESSION, RIEGER ANOMALY, AND TEETHING DELAY. Identifiers: Orphanet 3163, MedGen C0878684, MONDO:0010026, OMIM 269880.
Agammaglobulinemia 7, autosomal recessive (AGM7). Also called: AGAMMAGLOBULINEMIA, AUTOSOMAL RECESSIVE, DUE TO PIK3R1 DEFECT. Identifiers: MedGen C3554689, MONDO:0014083, OMIM 615214.

Allele frequency attached by ClinVar (database versions not stated): TOPMed 0.00002.
gnomAD v4.1: 45 of 1,613,608 alleles (0.0028%); highest among the groups gnomAD compares: Non-Finnish European, 0.0036%; no homozygotes.

Submissions (2):

Labcorp Genetics (formerly Invitae), Labcorp
Classification: Uncertain significance for SHORT syndrome; Immunodeficiency 36 with lymphoproliferation; Agammaglobulinemia 7, autosomal recessive. Last evaluated: 2025-04-24. Review status: criteria provided, single submitter. Criteria: Invitae Variant Classification Sherloc (09022015). Collection method: clinical testing. Allele origin: germline.
Comment: This sequence change replaces arginine, which is basic and polar, with leucine, which is neutral and non-polar, at codon 162 of the PIK3R1 protein (p.Arg162Leu). This variant is present in population databases (no rsID available, gnomAD 0.006%). This variant has not been reported in the literature in individuals affected with PIK3R1-related conditions. ClinVar contains an entry for this variant (Variation ID: 857677). An algorithm developed to predict the effect of missense changes on protein structure and function (PolyPhen-2) suggests that this variant is likely to be tolerated. In summary, the available evidence is currently insufficient to determine the role of this variant in disease. Therefore, it has been classified as a Variant of Uncertain Significance.

Blueprint Genetics
Classification: Uncertain significance. Last evaluated: 2024-01-30. Review status: criteria provided, single submitter. Criteria: ACMG Guidelines, 2015. Collection method: clinical testing. Allele origin: germline.

NM_181523.3(PIK3R1):c.485G>T (p.Arg162Leu)

Gene: PIK3R1 (phosphoinositide-3-kinase regulatory subunit 1; plus strand). Cytogenetic location: 5q13.1.
Variant type: single nucleotide variant.
Coding change: c.485G>T on transcript NM_181523.3 (MANE Select); coding-DNA position 485, G replaced by T.
Protein change: p.Arg162Leu; replaces arginine 162 with leucine.
Molecular consequence: missense variant.
Genome position (GRCh38, 1-based): chr5:68,273,996, G>T. VCF-style: chr5-68273996-G-T. GRCh37 (hg19) VCF-style: chr5-67569824-G-T.
Other names: short protein forms R162L.
Identifiers: ClinVar variation 857677 (VCV000857677.14), dbSNP rs755300178, ClinGen allele CA119892043.